The following is an entry in ClinVar:

ClinVar aggregate classification (germline): Uncertain significance (1 of 4 stars; one submission).

Submission:

Women's Health and Genetics/Laboratory Corporation of America, LabCorp
Classification: Uncertain significance. Last evaluated: 2026-03-17. Review status: criteria provided, single submitter. Criteria: LabCorp Variant Classification Summary - May 2015. Collection method: clinical testing. Allele origin: germline.
Comment: Variant summary: GPR4 c.8_9insAAA (p.Gly2_Asn3insLys) results in an in-frame insertion that is predicted to insert one amino acid into the encoded protein. The variant allele was found at a frequency of 8.8e-05 in 205364 control chromosomes. This frequency is not significantly higher than estimated for disease-causing variants in GPR4, allowing no conclusion about variant significance. To our knowledge, no occurrence of c.8_9insAAA in individuals affected with GPR4-related conditions and no experimental evidence demonstrating its impact on protein function have been reported. No submitters have cited clinical-significance assessments for this variant to ClinVar. Based on the evidence outlined above, the variant was classified as uncertain significance.

NM_005282.3(GPR4):c.8_9insAAA (p.Gly2_Asn3insLys)

Gene: GPR4 (G protein-coupled receptor 4; minus strand). Cytogenetic location: 19q13.32.
Variant type: Insertion.
Coding change: c.8_9insAAA on transcript NM_005282.3 (MANE Select); coding-DNA positions 8 to 9, AAA inserted.
Protein change: p.Gly2_Asn3insLys.
Genome position: GRCh38 VCF-style: chr19-45591858-G-GTTT. GRCh37 (hg19) VCF-style: chr19-46095116-G-GTTT.
Identifiers: ClinVar variation 4847183 (VCV004847183.1).